The following is an entry in ClinVar:

ClinVar aggregate classification (germline): Uncertain significance (1 of 4 stars; one submission).

Conditions:
Immunodeficiency 14 (IMD14A). Also called: Activated PI3K Delta Syndrome Type 1 (APDS1); p110-DELTA-ACTIVATING MUTATION CAUSING SENESCENT T CELLS, LYMPHADENOPATHY, AND IMMUNODEFICIENCY; IMMUNODEFICIENCY 14A WITH LYMPHOPROLIFERATION, AUTOSOMAL DOMINANT; ACTIVATED PI3K-DELTA SYNDROME 1. Identifiers: Orphanet 397596, Orphanet 693661, MedGen C5907821, MONDO:0014222, OMIM 615513.

Allele frequency attached by ClinVar (database versions not stated): gnomAD exomes below 0.00001; TOPMed below 0.00001.
gnomAD v4.1: 2 of 1,614,112 alleles (0.00012%); highest among the groups gnomAD compares: South Asian, 0.0011%; no homozygotes.

Submission:

Labcorp Genetics (formerly Invitae), Labcorp
Classification: Uncertain significance for Activated PI3K-delta syndrome. Last evaluated: 2022-07-19. Review status: criteria provided, single submitter. Criteria: Invitae Variant Classification Sherloc (09022015). Collection method: clinical testing. Allele origin: germline.
Comment: In summary, the available evidence is currently insufficient to determine the role of this variant in disease. Therefore, it has been classified as a Variant of Uncertain Significance. Algorithms developed to predict the effect of missense changes on protein structure and function are either unavailable or do not agree on the potential impact of this missense change (SIFT: "Tolerated"; PolyPhen-2: "Possibly Damaging"; Align-GVGD: "Class C0"). This variant has not been reported in the literature in individuals affected with PIK3CD-related conditions. This variant is not present in population databases (gnomAD no frequency). This sequence change replaces valine, which is neutral and non-polar, with methionine, which is neutral and non-polar, at codon 1038 of the PIK3CD protein (p.Val1038Met).

NM_005026.5(PIK3CD):c.3112G>A (p.Val1038Met)

Gene: PIK3CD (phosphatidylinositol-4,5-bisphosphate 3-kinase catalytic subunit delta; plus strand). Cytogenetic location: 1p36.22.
Variant type: single nucleotide variant.
Coding change: c.3112G>A on transcript NM_005026.5 (MANE Select); coding-DNA position 3112, G replaced by A.
Protein change: p.Val1038Met; replaces valine 1038 with methionine.
Molecular consequence: missense variant.
Genome position (GRCh38, 1-based): chr1:9,727,023, G>A. VCF-style: chr1-9727023-G-A. GRCh37 (hg19) VCF-style: chr1-9787081-G-A.
Other names: c.3109G>A, p.Val1037Met (NM_001350234.2); c.3025G>A, p.Val1009Met (NM_001350235.1); short protein forms V1037M, V1038M, V1009M.
Identifiers: ClinVar variation 2067174 (VCV002067174.4), dbSNP rs1649764117, ClinGen allele CA338308960.
Genomic context (GRCh38, chr1:9,727,023, plus strand): 5'-AAGTTTAACGAAGCCCTCCGTGAGAGCTGGAAAACCAAAGTGAACTGGCTGGCCCACAAC[G>A]TGTCCAAAGACAACAGGCAGTAGTGGCTCCTCCCAGCCCTGGGCCCAAGAGGAGGCGGCT-3'
Protein context (NP_005017.3, residues 1028-1044): KTKVNWLAHN[Val1038Met]SKDNRQ